The following is an entry in ClinVar:

ClinVar aggregate classification (germline): Uncertain significance (1 of 4 stars; one submission).

Submission:

Labcorp Genetics (formerly Invitae), Labcorp
Classification: Uncertain significance. Last evaluated: 2021-08-07. Review status: criteria provided, single submitter. Criteria: Invitae Variant Classification Sherloc (09022015). Collection method: clinical testing. Allele origin: germline.
Comment: This sequence change replaces threonine with serine at codon 660 of the RBP3 protein (p.Thr660Ser). The threonine residue is weakly conserved and there is a small physicochemical difference between threonine and serine. This variant is not present in population databases (ExAC no frequency). This variant has not been reported in the literature in individuals affected with RBP3-related conditions. Algorithms developed to predict the effect of missense changes on protein structure and function (SIFT, PolyPhen-2, Align-GVGD) all suggest that this variant is likely to be tolerated. In summary, the available evidence is currently insufficient to determine the role of this variant in disease. Therefore, it has been classified as a Variant of Uncertain Significance.

NM_002900.3(RBP3):c.1979C>G (p.Thr660Ser)

Gene: RBP3 (retinol binding protein 3; plus strand). Cytogenetic location: 10q11.22.
Variant type: single nucleotide variant.
Coding change: c.1979C>G on transcript NM_002900.3 (MANE Select); coding-DNA position 1979, C replaced by G.
Protein change: p.Thr660Ser; replaces threonine 660 with serine.
Molecular consequence: missense variant.
Genome position (GRCh38, 1-based): chr10:47,350,463, C>G. VCF-style: chr10-47350463-C-G. GRCh37 (hg19) VCF-style: chr10-48388899-G-C.
Other names: short protein forms T660S.
Identifiers: ClinVar variation 1469213 (VCV001469213.6), dbSNP rs2132254485, ClinGen allele CA376671850.